The following is an entry in ClinVar:

NM_001126108.2(SLC12A3):c.1742T>A (p.Met581Lys)

Gene: SLC12A3 (solute carrier family 12 member 3; plus strand). Cytogenetic location: 16q13.
Variant type: single nucleotide variant.
Coding change: c.1742T>A on transcript NM_001126108.2 (MANE Select); coding-DNA position 1742, T replaced by A.
Protein change: p.Met581Lys; replaces methionine 581 with lysine.
Molecular consequence: missense variant.
Genome position (GRCh38, 1-based): chr16:56,884,121, T>A. VCF-style: chr16-56884121-T-A. GRCh37 (hg19) VCF-style: chr16-56918033-T-A.
Other names: c.1742T>A, p.Met581Lys (NM_000339.3); c.1739T>A, p.Met580Lys (NM_001126107.2); c.1742T>A (NM_000339.2); short protein forms M580K, M581K.
Identifiers: ClinVar variation 1073478 (VCV001073478.11), dbSNP rs146191537, ClinGen allele CA281504517.
Genomic context (GRCh38, chr16:56,884,121, plus strand): 5'-CATTCCAATACTACAACAAGTGGGCGGCGCTGTTTGGGGCTATCATCTCCGTGGTCATCA[T>A]GTTCCTCCTCACCTGGTGGGCGGCCCTCATCGCCATTGGCGTGGTGCTCTTCCTCCTGCT-3'
Protein context (NP_001119580.2, residues 571-591): LFGAIISVVI[Met581Lys]FLLTWWAALI

ClinVar aggregate classification (germline): Pathogenic/Likely pathogenic. Review status: criteria provided, multiple submitters, no conflicts (2 of 4 stars). 3 submissions from 3 submitters: Pathogenic (1); Likely pathogenic (2). Last evaluated 2024-09-11.

Conditions:
Familial hypokalemia-hypomagnesemia (GTLMNS). Also called: HYPOMAGNESEMIA-HYPOKALEMIA, PRIMARY RENOTUBULAR, WITH HYPOCALCIURIA; POTASSIUM AND MAGNESIUM DEPLETION; gitelman syndrome. Identifiers: Orphanet 358, MedGen C0268450, MONDO:0009904, OMIM 263800.

Submissions (3):

Natera, Inc.
Classification: Likely pathogenic for Gitelman syndrome. Last evaluated: 2024-09-11. Review status: criteria provided, single submitter. Criteria: Natera Variant Classification Schema (03/2026). Collection method: clinical testing. Allele origin: germline.
Comment: The c.1742T>A variant in SLC12A3 is a missense variant predicted to cause substitution of methionine to lysine at amino acid 581. This variant is rare in the general population with a frequency below the threshold expected for the associated phenotype(s). This variant has been observed in one or more individuals affected with the associated recessive disease, as either homozygous or compound heterozygous with a second variant (PMID: 30945685, 29398133, 25422309, 17699451). Given the available evidence, this variant is classified as Likely Pathogenic.

Labcorp Genetics (formerly Invitae), Labcorp
Classification: Pathogenic. Last evaluated: 2023-12-21. Review status: criteria provided, single submitter. Criteria: Invitae Variant Classification Sherloc (09022015). Collection method: clinical testing. Allele origin: germline.
Comment: This sequence change replaces methionine, which is neutral and non-polar, with lysine, which is basic and polar, at codon 581 of the SLC12A3 protein (p.Met581Lys). This variant is not present in population databases (gnomAD no frequency). This missense change has been observed in individual(s) with Gitelman syndrome (PMID: 17699451, 25422309, 30945685, 31672324). In at least one individual the data is consistent with being in trans (on the opposite chromosome) from a pathogenic variant. ClinVar contains an entry for this variant (Variation ID: 1073478). Advanced modeling of protein sequence and biophysical properties (such as structural, functional, and spatial information, amino acid conservation, physicochemical variation, residue mobility, and thermodynamic stability) performed at Invitae indicates that this missense variant is expected to disrupt SLC12A3 protein function with a positive predictive value of 95%. For these reasons, this variant has been classified as Pathogenic.

GeneDx
Classification: Likely pathogenic. Last evaluated: 2023-03-15. Review status: criteria provided, single submitter. Criteria: GeneDx Variant Classification Process June 2021. Collection method: clinical testing. Allele origin: germline. Affected: yes.
Comment: Identified in multiple unrelated patients with Gitelman syndrome with a second SLC12A3 variant (phase unknown) in the published literature (Corbetta et al., 2015; Colussi et al., 2007; Hureaux et al., 2019); Not observed at significant frequency in large population cohorts (gnomAD); In silico analysis supports that this missense variant has a deleterious effect on protein structure/function; This variant is associated with the following publications: (PMID: 17699451, 31672324, 30945685, 22334612, 25422309)

Literature cited by the submitters: PubMed 30945685 (cited by Natera, Inc. and Labcorp Genetics (formerly Invitae), Labcorp); PubMed 29398133 (cited by Natera, Inc.); PubMed 25422309 (cited by Natera, Inc. and Labcorp Genetics (formerly Invitae), Labcorp); PubMed 17699451 (cited by Natera, Inc. and Labcorp Genetics (formerly Invitae), Labcorp); PubMed 31672324 (cited by Labcorp Genetics (formerly Invitae), Labcorp).